The following is an entry in ClinVar:

ClinVar aggregate classification (germline): Uncertain significance (1 of 4 stars; one submission).

Submission:

GeneDx
Classification: Uncertain significance. Last evaluated: 2025-01-15. Review status: criteria provided, single submitter. Criteria: GeneDx Variant Classification Process June 2021. Collection method: clinical testing. Allele origin: germline. Affected: yes.
Comment: Not observed at significant frequency in large population cohorts (gnomAD); In silico analysis indicates that this missense variant does not alter protein structure/function; Has not been previously published as pathogenic or benign to our knowledge

NM_014727.3(KMT2B):c.1387G>A (p.Ala463Thr)

Gene: KMT2B (lysine methyltransferase 2B; plus strand). Cytogenetic location: 19q13.12.
Variant type: single nucleotide variant.
Coding change: c.1387G>A on transcript NM_014727.3 (MANE Select); coding-DNA position 1387, G replaced by A.
Protein change: p.Ala463Thr; replaces alanine 463 with threonine.
Molecular consequence: missense variant.
Genome position (GRCh38, 1-based): chr19:35,720,734, G>A. VCF-style: chr19-35720734-G-A. GRCh37 (hg19) VCF-style: chr19-36211636-G-A.
Other names: short protein forms A463T.
Identifiers: ClinVar variation 4070665 (VCV004070665.1).
Genomic context (GRCh38, chr19:35,720,734, plus strand): 5'-TCCCCTCCACCGCCTCCTGCCCAAGAGGAGCAGGAGGAATCCCCTCCTCCTGTGGTCCCA[G>A]CTACGTGCTCCAGGAAGAGGGGCCGGCCTCCCCTGACTCCCAGCCAGCGGGCGGAGCGGG-3'
Protein context (NP_055542.1, residues 453-473): QEESPPPVVP[Ala463Thr]TCSRKRGRPP